The following is an entry in ClinVar:

NM_031935.3(HMCN1):c.3900G>T (p.Trp1300Cys)

Gene: HMCN1 (hemicentin 1; plus strand). Cytogenetic location: 1q31.1.
Variant type: single nucleotide variant.
Coding change: c.3900G>T on transcript NM_031935.3 (MANE Select); coding-DNA position 3900, G replaced by T.
Protein change: p.Trp1300Cys; replaces tryptophan 1300 with cysteine.
Molecular consequence: missense variant.
Genome position (GRCh38, 1-based): chr1:186,000,070, G>T. VCF-style: chr1-186000070-G-T. GRCh37 (hg19) VCF-style: chr1-185969202-G-T.
Other names: c.3900G>T (NM_031935.2); short protein forms W1300C.
Identifiers: ClinVar variation 1942946 (VCV001942946.6), dbSNP rs761189368, ClinGen allele CA1291855.

ClinVar aggregate classification (germline): Uncertain significance. Review status: criteria provided, multiple submitters, no conflicts (2 of 4 stars). 2 submissions from 2 submitters: Uncertain significance (2). Last evaluated 2025-01-22.

Allele frequency attached by ClinVar (database versions not stated): gnomAD 0.00001; TOPMed 0.00001; ExAC 0.00002; gnomAD exomes 0.00002.
gnomAD v4.1: 26 of 1,612,510 alleles (0.0016%); highest among the groups gnomAD compares: Admixed American, 0.0033%; no homozygotes.

Submissions (2):

Ambry Genetics
Classification: Uncertain significance. Last evaluated: 2025-01-22. Review status: criteria provided, single submitter. Criteria: Ambry Variant Classification Scheme 2023. Collection method: clinical testing. Allele origin: germline.

Labcorp Genetics (formerly Invitae), Labcorp
Classification: Uncertain significance. Last evaluated: 2022-03-12. Review status: criteria provided, single submitter. Criteria: Invitae Variant Classification Sherloc (09022015). Collection method: clinical testing. Allele origin: germline.
Comment: In summary, the available evidence is currently insufficient to determine the role of this variant in disease. Therefore, it has been classified as a Variant of Uncertain Significance. Algorithms developed to predict the effect of missense changes on protein structure and function are either unavailable or do not agree on the potential impact of this missense change (SIFT: "Deleterious"; PolyPhen-2: "Probably Damaging"; Align-GVGD: "Class C0"). This variant has not been reported in the literature in individuals affected with HMCN1-related conditions. This variant is present in population databases (rs761189368, gnomAD 0.006%). This sequence change replaces tryptophan, which is neutral and slightly polar, with cysteine, which is neutral and slightly polar, at codon 1300 of the HMCN1 protein (p.Trp1300Cys).